The following is an entry in ClinVar:

ClinVar aggregate classification (germline): Likely benign (1 of 4 stars; one submission).

Submission:

CeGaT Center for Human Genetics Tuebingen
Classification: Likely benign. Last evaluated: 2025-07-01. Review status: criteria provided, single submitter. Criteria: CeGaT Center For Human Genetics Tuebingen Variant Classification Criteria Version 2. Collection method: clinical testing. Allele origin: germline. Affected: yes. Observed: 1 variant allele.
Comment: LMTK3: BP4, BP7

NM_001388485.1(LMTK3):c.1485T>C (p.Pro495=)

Gene: LMTK3 (lemur tail kinase 3; minus strand). Cytogenetic location: 19q13.33.
Variant type: single nucleotide variant.
Coding change: c.1485T>C on transcript NM_001388485.1 (MANE Select); coding-DNA position 1485, T replaced by C.
Protein change: p.Pro495=; no amino-acid change (proline 495 retained).
Molecular consequence: synonymous variant.
Genome position (GRCh38, 1-based): chr19:48,499,584, A>G on the plus strand (T>C on the coding strand, the complement: LMTK3 is on the minus strand). VCF-style: chr19-48499584-A-G. GRCh37 (hg19) VCF-style: chr19-49002841-A-G.
Other names: c.1485T>C, p.Pro495= (NM_001080434.2).
Identifiers: ClinVar variation 4084818 (VCV004084818.8).